The following is an entry in ClinVar:

ClinVar aggregate classification (germline): Uncertain significance. Review status: criteria provided, multiple submitters, no conflicts (2 of 4 stars). 7 submissions from 7 submitters: Uncertain significance (6). 1 of the submissions does not count toward it. Last evaluated 2024-10-01.

Conditions:
Muscular dystrophy-dystroglycanopathy (congenital with brain and eye anomalies), type A3. Also called: WALKER-WARBURG SYNDROME OR MUSCLE-EYE-BRAIN DISEASE, POMGNT1-RELATED; Congenital muscular dystrophy-dystroglycanopathy with brain and eye anomalies, type A3; Muscular dystrophy-dystroglycanopathy (congenital with brain and eye anomalies), type A, 3. Identifiers: MedGen C3151519, MONDO:0009667, OMIM 253280.
Autosomal recessive limb-girdle muscular dystrophy type 2O. Also called: MUSCULAR DYSTROPHY-DYSTROGLYCANOPATHY (LIMB-GIRDLE), TYPE C, 3; MUSCULAR DYSTROPHY-DYSTROGLYCANOPATHY, LIMB-GIRDLE, POMGNT1-RELATED; Limb-Girdle Muscular Dystrophy Type 3C. Identifiers: Orphanet 206564, MedGen C3150417, MONDO:0013161, OMIM 613157.
Muscular dystrophy-dystroglycanopathy (congenital with impaired intellectual development), type B, 3. Also called: MUSCULAR DYSTROPHY, CONGENITAL, POMGNT1-RELATED; Muscular dystrophy-dystroglycanopathy (congenital with intellectual disability), type B3. Identifiers: MedGen C3150412, MONDO:0013155, OMIM 613151.
Retinitis pigmentosa (RP). Identifiers: Orphanet 791, MedGen C0035334, MeSH D012174, MONDO:0019200, OMIM 268000. Inheritance: Autosomal dominant, autosomal recessive and X linked inheritance.
Retinal dystrophy. Also called: Inherited retinal dystrophy. Identifiers: Orphanet 71862, MedGen C0854723, MeSH D058499, MONDO:0019118, HP:0000556.

gnomAD v4.1: 2 of 1,613,654 alleles (0.00012%); no homozygotes.

Submissions (7):

Lab De Baere, Eye and Developmental Genetics Lab, Ghent University
Classification: Uncertain significance for Retinitis pigmentosa. Last evaluated: 2024-10-01. Review status: criteria provided, single submitter. Criteria: ACMG Guidelines, 2015. Collection method: research. Allele origin: inherited. Affected: yes. Observed: 1 variant allele.
Comment: ACMG/AMP guidelines: PM2, PP3, PM3_PP

Institute of Human Genetics, University of Leipzig Medical Center
Classification: Uncertain significance for Muscular dystrophy-dystroglycanopathy (congenital with impaired intellectual development), type B, 3. Last evaluated: 2024-08-13. Review status: criteria provided, single submitter. Criteria: ACMG Guidelines, 2015. Collection method: clinical testing. Allele origin: unknown. Inheritance: Autosomal recessive inheritance. Affected: yes.
Comment: Criteria applied: PM3,PM2_SUP,PP3

Blueprint Genetics
Classification: Uncertain significance. Last evaluated: 2023-11-27. Review status: criteria provided, single submitter. Criteria: ACMG Guidelines, 2015. Collection method: clinical testing. Allele origin: germline.

Institute of Human Genetics, Univ. Regensburg, Univ. Regensburg
Classification: Uncertain significance for Retinal dystrophy. Last evaluated: 2023-01-01. Review status: criteria provided, single submitter. Criteria: ACMG Guidelines, 2015. Collection method: clinical testing. Allele origin: germline. Affected: yes.

Department of Pathology and Laboratory Medicine, Sinai Health System
Classification: Uncertain significance for Muscular dystrophy-dystroglycanopathy (congenital with brain and eye anomalies), type A3; Muscular dystrophy-dystroglycanopathy (congenital with impaired intellectual development), type B, 3; Autosomal recessive limb-girdle muscular dystrophy type 2O. Last evaluated: 2022-12-01. Review status: criteria provided, single submitter. Criteria: ACMG Guidelines, 2015. Collection method: research. Allele origin: germline.

Genetic Services Laboratory, University of Chicago
Classification: Uncertain significance. Last evaluated: 2017-10-11. Review status: criteria provided, single submitter. Criteria: ACMG Guidelines, 2015. Collection method: clinical testing. Allele origin: germline. Affected: no.

Lupski Lab, Baylor-Hopkins CMG, Baylor College of Medicine
Classification: Uncertain significance for Autosomal recessive limb-girdle muscular dystrophy type 2O. Review status: no assertion criteria provided. Collection method: research. Allele origin: inherited. Inheritance: Autosomal recessive inheritance. Affected: yes. Observed: 3 variant alleles, 2 heterozygotes, 1 homozygote. Not counted in ClinVar's aggregate classification.

Literature cited by the submitters: PubMed 30937090 (cited by Institute of Human Genetics, Univ. Regensburg, Univ. Regensburg); PubMed 3123072 (cited by Institute of Human Genetics, Univ. Regensburg, Univ. Regensburg).

NM_017739.4(POMGNT1):c.461C>A (p.Pro154His)

Genes: POMGNT1 (protein O-linked mannose N-acetylglucosaminyltransferase 1 (beta 1,2-); minus strand), TSPAN1 (tetraspanin 1; plus strand). Cytogenetic location: 1p34.1.
Variant type: single nucleotide variant.
Coding change: c.461C>A on transcript NM_017739.4 (MANE Select); coding-DNA position 461, C replaced by A.
Protein change: p.Pro154His; replaces proline 154 with histidine.
Molecular consequence: missense variant.
Genome position (GRCh38, 1-based): chr1:46,195,884, G>T on the plus strand (C>A on the coding strand, the complement: POMGNT1 is on the minus strand). VCF-style: chr1-46195884-G-T. GRCh37 (hg19) VCF-style: chr1-46661556-G-T.
Other names: c.461C>A, p.Pro154His (NM_001243766.2, NM_001410783.1); c.395C>A, p.Pro132His (NM_001290129.3); c.32C>A, p.Pro11His (NM_001290130.2); short protein forms P11H, P154H, P132H.
Identifiers: ClinVar variation 816818 (VCV000816818.10), dbSNP rs886043030, ClinGen allele CA340188623.